The following is an entry in ClinVar:

NM_016239.4(MYO15A):c.8285T>A (p.Val2762Asp)

Gene: MYO15A (myosin XVA; plus strand). Cytogenetic location: 17p11.2.
Variant type: single nucleotide variant.
Coding change: c.8285T>A on transcript NM_016239.4 (MANE Select); coding-DNA position 8285, T replaced by A.
Protein change: p.Val2762Asp; replaces valine 2762 with aspartic acid.
Molecular consequence: missense variant.
Genome position (GRCh38, 1-based): chr17:18,155,170, T>A. VCF-style: chr17-18155170-T-A. GRCh37 (hg19) VCF-style: chr17-18058484-T-A.
Other names: short protein forms V2762D.
Identifiers: ClinVar variation 3382230 (VCV003382230.2).

ClinVar aggregate classification (germline): Uncertain significance (1 of 4 stars; one submission).

Conditions:
Autosomal recessive nonsyndromic hearing loss 3. Also called: NEUROSENSORY NONSYNDROMIC RECESSIVE DEAFNESS 3. Identifiers: Orphanet 90636, MedGen C1838263, MONDO:0010860, OMIM 600316.

Submission:

Juno Genomics, Hangzhou Juno Genomics, Inc
Classification: Uncertain significance for Autosomal recessive nonsyndromic hearing loss 3. Review status: criteria provided, single submitter. Criteria: ACMG Guidelines, 2015. Collection method: clinical testing. Allele origin: germline. Affected: yes.
Comment: Absent from controls (or at extremely low frequency if recessive) in Genome Aggregation Database, Exome Sequencing Project, 1000 Genomes Project, or Exome Aggregation Consortium.;Multiple lines of computational evidence support a deleterious effect on the gene or gene product (conservation, evolutionary, splicing impact, etc).;For recessive disorders, detected in trans with a pathogenic variant.